The following is an entry in ClinVar:

ClinVar aggregate classification (germline): Uncertain significance (1 of 4 stars; one submission).

Submission:

Ambry Genetics
Classification: Uncertain significance. Last evaluated: 2025-08-22. Review status: criteria provided, single submitter. Criteria: Ambry Variant Classification Scheme 2023. Collection method: clinical testing. Allele origin: germline.
Comment: The p.T1488S variant (also known as c.4462A>T), located in coding exon 19 of the WNK2 gene, results from an A to T substitution at nucleotide position 4462. The threonine at codon 1488 is replaced by serine, an amino acid with similar properties. This amino acid position is conserved. In addition, this alteration is predicted to be tolerated by in silico analysis. Based on the available evidence, the clinical significance of this variant remains unclear.

NM_006648.4(WNK2):c.4462A>T (p.Thr1488Ser)

Gene: WNK2 (WNK lysine deficient protein kinase 2; plus strand). Cytogenetic location: 9q22.31.
Variant type: single nucleotide variant.
Coding change: c.4462A>T on transcript NM_006648.4 (MANE Select); coding-DNA position 4462, A replaced by T.
Protein change: p.Thr1488Ser; replaces threonine 1488 with serine.
Molecular consequence: missense variant.
Genome position (GRCh38, 1-based): chr9:93,289,216, A>T. VCF-style: chr9-93289216-A-T. GRCh37 (hg19) VCF-style: chr9-96051498-A-T.
Other names: c.4573A>T, p.Thr1525Ser (NM_001282394.3); short protein forms T1488S, T1525S.
Identifiers: ClinVar variation 4201794 (VCV004201794.1).